The following is an entry in ClinVar:

NM_001122630.2(CDKN1C):c.703A>G (p.Ile235Val)

Gene: CDKN1C (cyclin dependent kinase inhibitor 1C; minus strand). Cytogenetic location: 11p15.4.
Variant type: single nucleotide variant.
Coding change: c.703A>G on transcript NM_001122630.2 (MANE Select); coding-DNA position 703, A replaced by G.
Protein change: p.Ile235Val; replaces isoleucine 235 with valine.
Molecular consequence: missense variant. On other transcripts: intron variant (1).
Genome position (GRCh38, 1-based): chr11:2,884,754, T>C on the plus strand (A>G on the coding strand, the complement: CDKN1C is on the minus strand). VCF-style: chr11-2884754-T-C. GRCh37 (hg19) VCF-style: chr11-2905984-T-C.
Other names: c.736A>G, p.Ile246Val (NM_000076.2, NM_001362474.2); c.703A>G, p.Ile235Val (NM_001122631.2); c.255+448A>G (NM_001362475.2); short protein forms I235V, I246V.
Identifiers: ClinVar variation 2794993 (VCV002794993.3), dbSNP rs2494384116, ClinGen allele CA379145678.

ClinVar aggregate classification (germline): Uncertain significance (1 of 4 stars; one submission).

Conditions:
Beckwith-Wiedemann syndrome (BWS). Also called: Exomphalos macroglossia gigantism syndrome; EMG SYNDROME. Identifiers: Orphanet 116, MedGen C0004903, MONDO:0007534, OMIM 130650.

gnomAD v4.1: 1 of 1,497,350 alleles (0.000067%); highest among the groups gnomAD compares: Non-Finnish European, 0.000089%; no homozygotes.

Submission:

Labcorp Genetics (formerly Invitae), Labcorp
Classification: Uncertain significance for Beckwith-Wiedemann syndrome. Last evaluated: 2023-04-11. Review status: criteria provided, single submitter. Criteria: Invitae Variant Classification Sherloc (09022015). Collection method: clinical testing. Allele origin: germline.
Comment: In summary, the available evidence is currently insufficient to determine the role of this variant in disease. Therefore, it has been classified as a Variant of Uncertain Significance. Advanced modeling of protein sequence and biophysical properties (such as structural, functional, and spatial information, amino acid conservation, physicochemical variation, residue mobility, and thermodynamic stability) performed at Invitae indicates that this missense variant is not expected to disrupt CDKN1C protein function. This variant has not been reported in the literature in individuals affected with CDKN1C-related conditions. This variant is not present in population databases (gnomAD no frequency). This sequence change replaces isoleucine, which is neutral and non-polar, with valine, which is neutral and non-polar, at codon 246 of the CDKN1C protein (p.Ile246Val).